The following is an entry in ClinVar:

ClinVar aggregate classification (germline): Likely benign. Review status: criteria provided, multiple submitters, no conflicts (2 of 4 stars). 2 submissions from 2 submitters: Likely benign (2). Last evaluated 2026-01-24.

Conditions:
Arterial tortuosity syndrome (ATORS). Identifiers: Orphanet 3342, MedGen C1859726, MONDO:0008818, OMIM 208050.

Allele frequency attached by ClinVar (database versions not stated): gnomAD exomes below 0.00001; ExAC 0.00001; gnomAD 0.00010 and 0.00011; 1000 Genomes Project 30x 0.00016; TOPMed 0.00016; 1000 Genomes Project 0.00020.
gnomAD v4.1: 23 of 1,613,888 alleles (0.0014%); highest among the groups gnomAD compares: Admixed American, 0.032%; no homozygotes.

Submissions (2):

Labcorp Genetics (formerly Invitae), Labcorp
Classification: Likely benign for Arterial tortuosity syndrome. Last evaluated: 2026-01-24. Review status: criteria provided, single submitter. Criteria: Invitae Variant Classification Sherloc (09022015). Collection method: clinical testing. Allele origin: germline.

GeneDx
Classification: Likely benign. Last evaluated: 2016-07-01. Review status: criteria provided, single submitter. Criteria: GeneDx Variant Classification (06012015). Collection method: clinical testing. Allele origin: germline. Affected: yes.
Comment: This variant is considered likely benign or benign based on one or more of the following criteria: it is a conservative change, it occurs at a poorly conserved position in the protein, it is predicted to be benign by multiple in silico algorithms, and/or has population frequency not consistent with disease.

NM_030777.4(SLC2A10):c.1547+19G>A

Gene: SLC2A10 (solute carrier family 2 member 10; plus strand). Cytogenetic location: 20q13.12.
Variant type: single nucleotide variant.
Coding change: c.1547+19G>A on transcript NM_030777.4 (MANE Select); 19 bases into the intron after coding-DNA position 1547, G replaced by A.
Molecular consequence: intron variant.
Genome position (GRCh38, 1-based): chr20:46,729,507, G>A. VCF-style: chr20-46729507-G-A. GRCh37 (hg19) VCF-style: chr20-45358146-G-A.
Identifiers: ClinVar variation 387517 (VCV000387517.9), dbSNP rs546525339, ClinGen allele CA9892249.